The following is an entry in ClinVar:

ClinVar aggregate classification (germline): Conflicting classifications of pathogenicity. Review status: criteria provided, conflicting classifications (1 of 4 stars). 2 submissions from 2 submitters: Uncertain significance (1); Likely benign (1). Last evaluated 2026-07-01.

Allele frequency attached by ClinVar (database versions not stated): 1000 Genomes Project 0.00040; gnomAD 0.00001 and 0.00006; TOPMed 0.00002; gnomAD exomes 0.00010 and 0.00019; ExAC 0.00017; 1000 Genomes Project 30x 0.00031.
gnomAD v4.1: 155 of 1,613,686 alleles (0.0096%); highest among the groups gnomAD compares: South Asian, 0.14%; no homozygotes.

Submissions (2):

CeGaT Center for Human Genetics Tuebingen
Classification: Uncertain significance. Last evaluated: 2026-07-01. Review status: criteria provided, single submitter. Criteria: CeGaT Center For Human Genetics Tuebingen Variant Classification Criteria Version 2. Collection method: clinical testing. Allele origin: germline. Affected: yes. Observed: 1 variant allele.
Comment: TONSL: PM2:Supporting, PP3

Labcorp Genetics (formerly Invitae), Labcorp
Classification: Likely benign. Last evaluated: 2025-11-08. Review status: criteria provided, single submitter. Criteria: Invitae Variant Classification Sherloc (09022015). Collection method: clinical testing. Allele origin: germline.

NM_013432.5(TONSL):c.3687C>T (p.Gly1229=)

Gene: TONSL (tonsoku like, DNA repair protein; minus strand). Cytogenetic location: 8q24.3.
Variant type: single nucleotide variant.
Coding change: c.3687C>T on transcript NM_013432.5 (MANE Select); coding-DNA position 3687, C replaced by T.
Protein change: p.Gly1229=; no amino-acid change (glycine 1229 retained).
Molecular consequence: synonymous variant.
Genome position (GRCh38, 1-based): chr8:144,432,333, G>A on the plus strand (C>T on the coding strand, the complement: TONSL is on the minus strand). VCF-style: chr8-144432333-G-A. GRCh37 (hg19) VCF-style: chr8-145657716-G-A.
Identifiers: ClinVar variation 1597810 (VCV001597810.9), dbSNP rs555221463, ClinGen allele CA4942410.